The following is an entry in ClinVar:

ClinVar aggregate classification (germline): Uncertain significance (1 of 4 stars; one submission).

Conditions:
Hereditary cancer-predisposing syndrome. Also called: Tumor predisposition; Neoplastic Syndromes, Hereditary; Hereditary Cancer Syndrome; Hereditary neoplastic syndrome. Identifiers: Orphanet 140162, MedGen C0027672, MeSH D009386, MONDO:0015356.

Submission:

Ambry Genetics
Classification: Uncertain significance for Hereditary cancer-predisposing syndrome. Last evaluated: 2025-02-27. Review status: criteria provided, single submitter. Criteria: Ambry Variant Classification Scheme 2023. Collection method: clinical testing. Allele origin: germline.
Comment: The p.S2374G variant (also known as c.7120A>G), located in coding exon 15 of the APC gene, results from an A to G substitution at nucleotide position 7120. The serine at codon 2374 is replaced by glycine, an amino acid with similar properties. This amino acid position is highly conserved in available vertebrate species. In addition, in silico predictors for this gene do not accurately predict pathogenicity. Based on the available evidence, the clinical significance of this variant remains unclear.

NM_000038.6(APC):c.7120A>G (p.Ser2374Gly)

Gene: APC (APC regulator of Wnt signaling pathway; plus strand). Cytogenetic location: 5q22.2.
Variant type: single nucleotide variant.
Coding change: c.7120A>G on transcript NM_000038.6 (MANE Select); coding-DNA position 7120, A replaced by G.
Protein change: p.Ser2374Gly; replaces serine 2374 with glycine.
Molecular consequence: missense variant. On other transcripts: non-coding transcript variant (2).
Genome position (GRCh38, 1-based): chr5:112,842,714, A>G. VCF-style: chr5-112842714-A-G. GRCh37 (hg19) VCF-style: chr5-112178411-A-G.
Other names: c.7120A>G, p.Ser2374Gly (NM_001127510.3, NM_001354895.2, NM_001407450.1); c.7066A>G, p.Ser2356Gly (NM_001127511.3); c.7174A>G, p.Ser2392Gly (NM_001354896.2, NM_001407447.1, NM_001407448.1 and 1 more transcripts); c.7150A>G, p.Ser2384Gly (NM_001354897.2); c.7045A>G, p.Ser2349Gly (NM_001354898.2); c.7036A>G, p.Ser2346Gly (NM_001354899.2); c.6997A>G, p.Ser2333Gly (NM_001354900.2); c.6943A>G, p.Ser2315Gly (NM_001354901.2, NM_001407453.1); and 11 more; short protein forms S1990G, S2091G, S2248G, S2283G, S2291G, S2392G, S2245G, S2333G.
Identifiers: ClinVar variation 3882290 (VCV003882290.1).